The following is an entry in ClinVar:

ClinVar aggregate classification (germline): Benign. Review status: criteria provided, multiple submitters, no conflicts (2 of 4 stars). 6 submissions from 6 submitters: Benign (5). 1 of the submissions does not count toward it. Last evaluated 2026-02-02.

Conditions:
JAK2-related disorder. Also called: JAK2-related condition.

Allele frequency attached by ClinVar (database versions not stated): gnomAD 0.03867 and 0.04153; TOPMed 0.04344; gnomAD exomes 0.00357 and 0.00823; 1000 Genomes Project 0.04573; ESP Exome Variant Server 0.03961; 1000 Genomes Project 30x 0.04716; ExAC 0.01570.
gnomAD v4.1: 10,809 of 1,463,058 alleles (0.74%); highest among the groups gnomAD compares: African/African-American, 13%; 683 homozygotes.

Submissions (6):

Labcorp Genetics (formerly Invitae), Labcorp
Classification: Benign. Last evaluated: 2026-02-02. Review status: criteria provided, single submitter. Criteria: Invitae Variant Classification Sherloc (09022015). Collection method: clinical testing. Allele origin: germline.

ARUP Laboratories, Molecular Genetics and Genomics, ARUP Laboratories
Classification: Benign. Last evaluated: 2024-01-22. Review status: criteria provided, single submitter. Criteria: ARUP Molecular Germline Variant Investigation Process 2024. Collection method: clinical testing. Allele origin: germline.

Mayo Clinic Laboratories, Mayo Clinic
Classification: Benign. Last evaluated: 2023-09-13. Review status: criteria provided, single submitter. Criteria: ACMG Guidelines, 2015. Collection method: clinical testing. Allele origin: germline. Observed: 11 variant alleles.

GeneDx
Classification: Benign. Last evaluated: 2021-06-09. Review status: criteria provided, single submitter. Criteria: GeneDx Variant Classification Process June 2021. Collection method: clinical testing. Allele origin: germline. Affected: yes.

Breakthrough Genomics
Classification: Benign. Review status: criteria provided, single submitter. Criteria: ACMG Guidelines, 2015. Collection method: not provided. Allele origin: germline. Inheritance: Autosomal dominant inheritance. Affected: yes.

PreventionGenetics, part of Exact Sciences
Classification: Benign for JAK2-related condition. Last evaluated: 2021-02-23. Review status: no assertion criteria provided. Collection method: clinical testing. Allele origin: germline. Not counted in ClinVar's aggregate classification.
Comment: This variant is classified as benign based on ACMG/AMP sequence variant interpretation guidelines (Richards et al. 2015 PMID: 25741868, with internal and published modifications).

NM_004972.4(JAK2):c.1929T>C (p.Asn643=)

Genes: INSL6 (insulin like 6; minus strand), JAK2 (Janus kinase 2; plus strand). Cytogenetic location: 9p24.1.
Variant type: single nucleotide variant.
Coding change: c.1929T>C on transcript NM_004972.4 (MANE Select); coding-DNA position 1929, T replaced by C.
Protein change: p.Asn643=; no amino-acid change (asparagine 643 retained).
Molecular consequence: synonymous variant. On other transcripts: non-coding transcript variant (2).
Genome position (GRCh38, 1-based): chr9:5,077,517, T>C. VCF-style: chr9-5077517-T-C. GRCh37 (hg19) VCF-style: chr9-5077517-T-C.
Other names: p.Asn643=; c.1482T>C, p.Asn494= (NM_001322204.2); c.1929T>C, p.Asn643= (NM_001322194.2, NM_001322195.2, NM_001322196.2); c.714T>C, p.Asn238= (NM_001322198.2, NM_001322199.2).
Identifiers: ClinVar variation 1256675 (VCV001256675.12), dbSNP rs2230728, ClinGen allele CA4972005.